The following is an entry in ClinVar:

NM_001134665.3(TRMT10A):c.608A>G (p.Tyr203Cys)

Gene: TRMT10A (tRNA methyltransferase 10A; minus strand). Cytogenetic location: 4q23.
Variant type: single nucleotide variant.
Coding change: c.608A>G on transcript NM_001134665.3 (MANE Select); coding-DNA position 608, A replaced by G.
Protein change: p.Tyr203Cys; replaces tyrosine 203 with cysteine.
Molecular consequence: missense variant.
Genome position (GRCh38, 1-based): chr4:99,553,822, T>C on the plus strand (A>G on the coding strand, the complement: TRMT10A is on the minus strand). VCF-style: chr4-99553822-T-C. GRCh37 (hg19) VCF-style: chr4-100474979-T-C.
Other names: c.608A>G, p.Tyr203Cys (NM_001134666.3, NM_001375880.1, NM_001375881.1 and 2 more transcripts); short protein forms Y203C.
Identifiers: ClinVar variation 1933294 (VCV001933294.5), dbSNP rs202040531, ClinGen allele CA3021483.

ClinVar aggregate classification (germline): Uncertain significance (1 of 4 stars; one submission).

Allele frequency attached by ClinVar (database versions not stated): ExAC 0.00001; gnomAD exomes 0.00001; TOPMed 0.00002; gnomAD 0.00003; 1000 Genomes Project 30x 0.00016; 1000 Genomes Project 0.00020.
gnomAD v4.1: 18 of 1,613,188 alleles (0.0011%); highest among the groups gnomAD compares: African/African-American, 0.0067%; no homozygotes.

Submission:

Labcorp Genetics (formerly Invitae), Labcorp
Classification: Uncertain significance. Last evaluated: 2023-08-10. Review status: criteria provided, single submitter. Criteria: Invitae Variant Classification Sherloc (09022015). Collection method: clinical testing. Allele origin: germline.
Comment: In summary, the available evidence is currently insufficient to determine the role of this variant in disease. Therefore, it has been classified as a Variant of Uncertain Significance. Advanced modeling of protein sequence and biophysical properties (such as structural, functional, and spatial information, amino acid conservation, physicochemical variation, residue mobility, and thermodynamic stability) performed at Invitae indicates that this missense variant is expected to disrupt TRMT10A protein function. ClinVar contains an entry for this variant (Variation ID: 1933294). This variant has not been reported in the literature in individuals affected with TRMT10A-related conditions. This variant is present in population databases (rs202040531, gnomAD 0.004%). This sequence change replaces tyrosine, which is neutral and polar, with cysteine, which is neutral and slightly polar, at codon 203 of the TRMT10A protein (p.Tyr203Cys).